The following is an entry in ClinVar:

NM_005199.5(CHRNG):c.734TCA[1] (p.Ile246del)

Gene: CHRNG (cholinergic receptor nicotinic gamma subunit; plus strand). Cytogenetic location: 2q37.1.
Variant type: Microsatellite.
Coding change: c.734TCA[1] on transcript NM_005199.5 (MANE Select); one copy of the 3-base unit TCA starting at c.734; the reference has two copies in a row; one copy, 3 bases deleted.
Protein change: p.Ile246del; deletes isoleucine 246.
Molecular consequence: inframe deletion.
Genome position (GRCh38, 1-based): chr2:232,543,014-232,543,016, TCA deleted; deleting any 3 consecutive bases within chr2:232,543,011-232,543,016 gives the same sequence; the position shown is the placement nearest the transcript's 3' end. VCF-style (leftmost placement, unchanged base first): chr2-232543010-GTCA-G. GRCh37 (hg19) VCF-style: chr2-233407720-GTCA-G.
Other names: c.737_739delTCA (NM_005199.4); short protein forms I246del.
Identifiers: ClinVar variation 1334365 (VCV001334365.6), dbSNP rs747062636, ClinGen allele CA2168780.

ClinVar aggregate classification (germline): Conflicting classifications of pathogenicity. Review status: criteria provided, conflicting classifications (1 of 4 stars). 3 submissions from 3 submitters: Uncertain significance (2); Likely benign (1). Last evaluated 2026-01-13.

Submissions (3):

Labcorp Genetics (formerly Invitae), Labcorp
Classification: Likely benign. Last evaluated: 2026-01-13. Review status: criteria provided, single submitter. Criteria: Invitae Variant Classification Sherloc (09022015). Collection method: clinical testing. Allele origin: germline.

Women's Health and Genetics/Laboratory Corporation of America, LabCorp
Classification: Uncertain significance. Last evaluated: 2022-05-20. Review status: criteria provided, single submitter. Criteria: LabCorp Variant Classification Summary - May 2015. Collection method: clinical testing. Allele origin: germline.
Comment: Variant summary: CHRNG c.737_739delTCA (p.Ile246del) results in an in-frame deletion that is predicted to remove one amino acid from the encoded protein. The variant allele was found at a frequency of 0.00017 in 251488 control chromosomes (gnomAD). This frequency is not significantly higher than expected for a pathogenic variant in CHRNG causing Lethal Multiple Pterygium Syndrome - CHRNG Related (0.00017 vs 0.0011), allowing no conclusion about variant significance. To our knowledge, no occurrence of c.737_739delTCA in individuals affected with Lethal Multiple Pterygium Syndrome - CHRNG Related and no experimental evidence demonstrating its impact on protein function have been reported. One clinical diagnostic laboratory has submitted clinical-significance assessments for this variant to ClinVar after 2014 without evidence for independent evaluation and classified the variant as uncertain significance. Based on the evidence outlined above, the variant was classified as uncertain significance.

GeneDx
Classification: Uncertain significance. Last evaluated: 2021-07-14. Review status: criteria provided, single submitter. Criteria: GeneDx Variant Classification Process June 2021. Collection method: clinical testing. Allele origin: germline. Affected: yes.
Comment: In-frame deletion of 1 amino acids in a non-repeat region; In silico analysis supports a deleterious effect on protein structure/function; Has not been previously published as pathogenic or benign to our knowledge; This variant is associated with the following publications: (PMID: 27535533)